The following is an entry in ClinVar:

NM_005476.7(GNE):c.1982A>G (p.Asn661Ser)

Gene: GNE (glucosamine (UDP-N-acetyl)-2-epimerase/N-acetylmannosamine kinase; minus strand). Cytogenetic location: 9p13.3.
Variant type: single nucleotide variant.
Coding change: c.1982A>G on transcript NM_005476.7 (MANE Select); coding-DNA position 1982, A replaced by G.
Protein change: p.Asn661Ser; replaces asparagine 661 with serine.
Molecular consequence: missense variant.
Genome position (GRCh38, 1-based): chr9:36,217,552, T>C on the plus strand (A>G on the coding strand, the complement: GNE is on the minus strand). VCF-style: chr9-36217552-T-C. GRCh37 (hg19) VCF-style: chr9-36217549-T-C.
Other names: c.2075A>G, p.Asn692Ser (NM_001128227.3); c.1760A>G, p.Asn587Ser (NM_001190383.3); c.1652A>G, p.Asn551Ser (NM_001190384.3); c.1805A>G, p.Asn602Ser (NM_001190388.2, NM_001374798.1); c.1829A>G, p.Asn610Ser (NM_001374797.1); short protein forms N602S, N551S, N587S, N692S, N610S, N661S.
Identifiers: ClinVar variation 1346337 (VCV001346337.9), dbSNP rs765173992, ClinGen allele CA5056375.
Genomic context (GRCh38, chr9:36,217,552, plus strand): 5'-TCTTTGACAATGTGGATATAGTGACTGGCCAGGACTCCGGAGAGGATCACAAGGGAGGGA[T>C]TCATGGTATGGAGGATGTTCACAACCCCAAGACCCAAAGCTGTTCCAGCTATAGGGAGAC-3'
Protein context (NP_005467.1, residues 651-671): LGVVNILHTM[Asn661Ser]PSLVILSGVL

ClinVar aggregate classification (germline): Uncertain significance. Review status: criteria provided, multiple submitters, no conflicts (2 of 4 stars). 3 submissions from 3 submitters: Uncertain significance (3). Last evaluated 2023-03-01.

Conditions:
GNE myopathy (NM). Also called: INCLUSION BODY MYOPATHY 2, AUTOSOMAL RECESSIVE; MYOPATHY, DISTAL, WITH OR WITHOUT RIMMED VACUOLES; NONAKA DISTAL MYOPATHY; IBM 2; Inclusion body myopathy autosomal recessive; Inclusion body myopathy quadriceps sparing. Identifiers: Orphanet 602, MedGen C1853926, MONDO:0011603, OMIM 605820.
Sialuria. Also called: SIALURIA, FRENCH TYPE; Sialic Acid Storage Disease. Identifiers: Orphanet 3166, MedGen C0342853, MONDO:0010028, OMIM 269921.

Allele frequency attached by ClinVar (database versions not stated): gnomAD exomes below 0.00001; ExAC 0.00001.
gnomAD v4.1: 1 of 1,614,036 alleles (0.000062%); highest among the groups gnomAD compares: Non-Finnish European, 0.000085%; no homozygotes.

Submissions (3):

Neuberg Centre For Genomic Medicine, NCGM
Classification: Uncertain significance for GNE myopathy. Last evaluated: 2023-03-01. Review status: criteria provided, single submitter. Criteria: ACMG Guidelines, 2015. Collection method: clinical testing. Allele origin: germline. Inheritance: Autosomal recessive inheritance. Affected: yes.
Comment: The missense c.1982A>G (p.Asn661Ser) variant in GNE gene has not been reported previously as a pathogenic variant nor as a benign variant, to our knowledge. The p.Asn661Ser variant has allele frequency 0.0004% is novel (not in any individuals) in gnomAD Exomes and 1000 Genomes. This variant has been reported to the ClinVar database as Uncertain Significance. The amino acid change p.Asn661Ser in GNE is predicted as conserved by GERP++ and PhyloP across 100 vertebrates. The amino acid Asn at position 661 is changed to a Ser changing protein sequence and it might alter its composition and physico-chemical properties. For these reasons, this variant has been classified as Variant of Uncertain Significance (VUS).

Revvity Omics, Revvity
Classification: Uncertain significance. Last evaluated: 2021-08-17. Review status: criteria provided, single submitter. Criteria: ACMG Guidelines, 2015. Collection method: clinical testing. Allele origin: germline.

Labcorp Genetics (formerly Invitae), Labcorp
Classification: Uncertain significance for Sialuria; GNE myopathy. Last evaluated: 2021-08-15. Review status: criteria provided, single submitter. Criteria: Invitae Variant Classification Sherloc (09022015). Collection method: clinical testing. Allele origin: germline.
Comment: In summary, the available evidence is currently insufficient to determine the role of this variant in disease. Therefore, it has been classified as a Variant of Uncertain Significance. Algorithms developed to predict the effect of missense changes on protein structure and function are either unavailable or do not agree on the potential impact of this missense change (SIFT: "Deleterious"; PolyPhen-2: "Probably Damaging"; Align-GVGD: "Class C0"). This variant has not been reported in the literature in individuals affected with GNE-related conditions. This variant is present in population databases (rs765173992, ExAC 0.002%). This sequence change replaces asparagine with serine at codon 692 of the GNE protein (p.Asn692Ser). The asparagine residue is highly conserved and there is a small physicochemical difference between asparagine and serine.